The following is an entry in ClinVar:

NM_006180.6(NTRK2):c.1920C>T (p.Asp640=)

Gene: NTRK2 (neurotrophic receptor tyrosine kinase 2; plus strand). Cytogenetic location: 9q21.33.
Variant type: single nucleotide variant.
Coding change: c.1920C>T on transcript NM_006180.6 (MANE Select); coding-DNA position 1920, C replaced by T.
Protein change: p.Asp640=; no amino-acid change (aspartic acid 640 retained).
Molecular consequence: synonymous variant.
Genome position (GRCh38, 1-based): chr9:84,948,617, C>T. VCF-style: chr9-84948617-C-T. GRCh37 (hg19) VCF-style: chr9-87563532-C-T.
Other names: c.1872C>T, p.Asp624= (NM_001018064.3, NM_001369532.1, NM_001369533.1); c.1836C>T, p.Asp612= (NM_001369534.1); c.1404C>T, p.Asp468= (NM_001369535.1); c.1452C>T, p.Asp484= (NM_001369536.1); c.1920C>T, p.Asp640= (NM_001381928.1); c.1920C>T (NM_006180.4).
Identifiers: ClinVar variation 2977613 (VCV002977613.4), dbSNP rs766205460, ClinGen allele CA5105864.

ClinVar aggregate classification (germline): Likely benign. Review status: criteria provided, multiple submitters, no conflicts (2 of 4 stars). 2 submissions from 2 submitters: Likely benign (2). Last evaluated 2026-08-04.

Conditions:
NTRK2-related disorder. Also called: NTRK2-related condition.

Allele frequency attached by ClinVar (database versions not stated): gnomAD exomes 0.00001; ExAC 0.00005.
gnomAD v4.1: 19 of 1,614,092 alleles (0.0012%); highest among the groups gnomAD compares: South Asian, 0.02%; no homozygotes.

Submissions (2):

PreventionGenetics, part of Exact Sciences
Classification: Likely benign for NTRK2-related condition. Last evaluated: 2026-08-04. Review status: criteria provided, single submitter. Criteria: ACMG Guidelines, 2015. Collection method: clinical testing. Allele origin: germline.
Comment: This variant is classified as likely benign based on ACMG/AMP sequence variant interpretation guidelines (Richards et al. 2015 PMID: 25741868, with internal and published modifications).

Labcorp Genetics (formerly Invitae), Labcorp
Classification: Likely benign. Last evaluated: 2023-11-13. Review status: criteria provided, single submitter. Criteria: Invitae Variant Classification Sherloc (09022015). Collection method: clinical testing. Allele origin: germline.